The following is an entry in ClinVar:

NM_000368.5(TSC1):c.2502+2T>A

Gene: TSC1 (TSC complex subunit 1; minus strand). Cytogenetic location: 9q34.13.
Variant type: single nucleotide variant.
Coding change: c.2502+2T>A on transcript NM_000368.5 (MANE Select); the canonical splice donor site of the intron after coding-DNA position 2502, T replaced by A.
Molecular consequence: splice donor variant. On other transcripts: intron variant (8).
Genome position (GRCh38, 1-based): chr9:132,901,587, A>T on the plus strand (T>A on the coding strand, the complement: TSC1 is on the minus strand). VCF-style: chr9-132901587-A-T. GRCh37 (hg19) VCF-style: chr9-135776974-A-T.
Other names: c.1449+2T>A (NM_001406630.1, NM_001406629.1); c.2097+44T>A (NM_001406624.1); c.2139+2T>A (NM_001406616.1, NM_001406615.1, NM_001406618.1 and 4 more transcripts); c.2136+2T>A (NM_001406623.1, NM_001406620.1, NM_001406621.1 and 1 more transcripts); c.2499+2T>A (NM_001406599.1, NM_001406597.1, NM_001406600.1 and 2 more transcripts); c.2502+2T>A (NM_001406594.1, NM_001406592.1, NM_001406595.1 and 2 more transcripts); c.2487+2T>A (NM_001406601.1, NM_001406602.1); c.2460+44T>A (NM_001406605.1, NM_001406606.1, NM_001406607.1); and 8 more.
Identifiers: ClinVar variation 2571343 (VCV002571343.27), dbSNP rs2131702449, ClinGen allele CA375358235.
Genomic context (GRCh38, chr9:132,901,587, plus strand): 5'-TGAAGGAAGAATGTTAGCAAATGGTGTTTCAGCAGATTCAGGTCTGCCTCATTTCTTCTT[A>T]CCTTTTGGGAAACCTGACTGAGCAGCAGCTCAGTGTGACACACCTTGTTGTTGGCCTTCT-3'

ClinVar aggregate classification (germline): Uncertain significance (1 of 4 stars; one submission).

Submission:

CeGaT Center for Human Genetics Tuebingen
Classification: Uncertain significance. Last evaluated: 2023-05-01. Review status: criteria provided, single submitter. Criteria: CeGaT Center For Human Genetics Tuebingen Variant Classification Criteria Version 2. Collection method: clinical testing. Allele origin: germline. Affected: yes. Observed: 1 variant allele.
Comment: TSC1: PM2, PVS1:Moderate, PP4